The following is an entry in ClinVar:

NC_000007.13:g.(?_30642630)_(30649366_?)del

Gene: GARS1 (glycyl-tRNA synthetase 1; plus strand). Cytogenetic location: 7p14.3.
Variant type: Deletion.
Identifiers: ClinVar variation 2424346 (VCV002424346.4).

ClinVar aggregate classification (germline): Uncertain significance (1 of 4 stars; one submission).

Conditions:
Charcot-Marie-Tooth disease type 2. Also called: Charcot-Marie-Tooth type 2. Identifiers: Orphanet 64746, MedGen C0270914, MONDO:0018993.

Submission:

Labcorp Genetics (formerly Invitae), Labcorp
Classification: Uncertain significance for Charcot-Marie-Tooth disease type 2. Last evaluated: 2022-06-02. Review status: criteria provided, single submitter. Criteria: Invitae Variant Classification Sherloc (09022015). Collection method: clinical testing. Allele origin: germline.
Comment: Experimental studies and prediction algorithms are not available or were not evaluated, and the functional significance of this variant is currently unknown. In summary, the available evidence is currently insufficient to determine the role of this variant in disease. Therefore, it has been classified as a Variant of Uncertain Significance. This variant has not been reported in the literature in individuals affected with GARS-related conditions. This variant is a gross deletion of the genomic region encompassing exon(s) 5-7 of the GARS gene. This variant would be expected to be in-frame, preserving the integrity of the reading frame.